The following is an entry in ClinVar:

NM_001042492.3(NF1):c.3708+5G>C

Gene: NF1 (neurofibromin 1; plus strand). Cytogenetic location: 17q11.2.
Variant type: single nucleotide variant.
Coding change: c.3708+5G>C on transcript NM_001042492.3 (MANE Select); 5 bases into the intron after coding-DNA position 3708, G replaced by C.
Molecular consequence: intron variant.
Genome position (GRCh38, 1-based): chr17:31,233,218, G>C. VCF-style: chr17-31233218-G-C. GRCh37 (hg19) VCF-style: chr17-29560236-G-C.
Other names: c.3708+5G>C (NM_000267.4).
Identifiers: ClinVar variation 645590 (VCV000645590.2), dbSNP rs1597720280, ClinGen allele CA915949924.
Genomic context (GRCh38, chr17:31,233,218, plus strand): 5'-AAGGAGAACTCCCTATAGCGATGGCTCTGGCCAATGTGGTTCCTTGTTCTCAGTGGGTAA[G>C]TGATTAGAGTAAGCGGGGAAGAAAAGTGCCTGGCACATAGCAAATCCTTCAGAATATATT-3'

ClinVar aggregate classification (germline): Uncertain significance. Review status: criteria provided, multiple submitters, no conflicts (2 of 4 stars). 2 submissions from 2 submitters: Uncertain significance (2). Last evaluated 2024-08-02.

Conditions:
Hereditary cancer-predisposing syndrome. Also called: Neoplastic Syndromes, Hereditary; Hereditary Cancer Syndrome; Hereditary neoplastic syndrome; Tumor predisposition. Identifiers: Orphanet 140162, MedGen C0027672, MeSH D009386, MONDO:0015356.
Cardiovascular phenotype. Identifiers: MedGen CN230736.
Neurofibromatosis, type 1 (NF1). Also called: NEUROFIBROMATOSIS, TYPE I, SOMATIC; VON RECKLINGHAUSEN DISEASE; Neurofibromatosis, type I; Peripheral type neurofibromatosis. Identifiers: Orphanet 636, MedGen C0027831, MONDO:0018975, OMIM 162200. Disease mechanism: loss of function.

Submissions (2):

Ambry Genetics
Classification: Uncertain significance for Cardiovascular phenotype; Hereditary cancer-predisposing syndrome. Last evaluated: 2024-08-02. Review status: criteria provided, single submitter. Criteria: Ambry Variant Classification Scheme 2023. Collection method: clinical testing. Allele origin: germline.
Comment: The c.3708+5G>C intronic variant results from a G to C substitution 5 nucleotides after coding exon 27 in the NF1 gene. This nucleotide position is highly conserved in available vertebrate species. In silico splice site analysis predicts that this alteration will weaken the native splice donor site; however, direct evidence is insufficient at this time (Ambry internal data). Based on the available evidence, the clinical significance of this variant remains unclear.

Labcorp Genetics (formerly Invitae), Labcorp
Classification: Uncertain significance for Neurofibromatosis, type 1. Last evaluated: 2018-10-30. Review status: criteria provided, single submitter. Criteria: Invitae Variant Classification Sherloc (09022015). Collection method: clinical testing. Allele origin: germline.
Comment: This sequence change falls in intron 27 of the NF1 gene. It does not directly change the encoded amino acid sequence of the NF1 protein, but it affects a nucleotide within the consensus splice site of the intron. This variant is not present in population databases (ExAC no frequency). This variant has been reported in anÂ¬â€ individual in the Leiden Open-source Variation Database (PMID: 21520333). Nucleotide substitutions within the consensus splice site are a relatively common cause of aberrant splicing (PMID: 17576681, 9536098). Algorithms developed to predict the effect of sequence changes on RNA splicing suggest that this variant may disrupt the consensus splice site, but this prediction has not been confirmed by published transcriptional studies. In summary, the available evidence is currently insufficient to determine the role of this variant in disease. Therefore, it has been classified as a Variant of Uncertain Significance.

Literature cited by the submitters: PubMed 21520333 (cited by Labcorp Genetics (formerly Invitae), Labcorp).